The following is an entry in ClinVar:

NM_001551.3(IGBP1):c.536T>C (p.Val179Ala)

Gene: IGBP1 (immunoglobulin binding protein 1; plus strand). Cytogenetic location: Xq13.1.
Variant type: single nucleotide variant.
Coding change: c.536T>C on transcript NM_001551.3 (MANE Select); coding-DNA position 536, T replaced by C.
Protein change: p.Val179Ala; replaces valine 179 with alanine.
Molecular consequence: missense variant. On other transcripts: intron variant (1).
Genome position (GRCh38, 1-based): chrX:70,146,686, T>C. VCF-style: chrX-70146686-T-C. GRCh37 (hg19) VCF-style: chrX-69366536-T-C.
Other names: c.536T>C, p.Val179Ala (NM_001370192.1, NM_001370193.1); c.483-3524T>C (NM_001370194.1); c.536T>C (NM_001551.2); short protein forms V179A.
Identifiers: ClinVar variation 1206318 (VCV001206318.6), dbSNP rs368773089, ClinGen allele CA10439485.

ClinVar aggregate classification (germline): Uncertain significance. Review status: criteria provided, multiple submitters, no conflicts (2 of 4 stars). 4 submissions from 4 submitters: Uncertain significance (2). 2 of the submissions do not count toward it. Last evaluated 2025-06-07.

Conditions:
IGBP1-related disorder. Also called: IGBP1-related condition.

Allele frequency attached by ClinVar (database versions not stated): ESP Exome Variant Server 0.00028; TOPMed 0.00006; gnomAD 0.00009 and 0.00007; gnomAD exomes 0.00003 and 0.00005; ExAC 0.00006.
gnomAD v4.1: 49 of 1,204,315 alleles (0.0041%); highest among the groups gnomAD compares: Middle Eastern, 0.092%; no homozygotes.

Submissions (4):

Ambry Genetics
Classification: Uncertain significance. Last evaluated: 2025-06-07. Review status: criteria provided, single submitter. Criteria: Ambry Variant Classification Scheme 2023. Collection method: clinical testing. Allele origin: germline.

PreventionGenetics, part of Exact Sciences
Classification: Uncertain significance for IGBP1-related condition. Last evaluated: 2022-12-27. Review status: criteria provided, single submitter. Criteria: ACMG Guidelines, 2015. Collection method: clinical testing. Allele origin: germline.
Comment: The IGBP1 c.536T>C variant is predicted to result in the amino acid substitution p.Val179Ala. To our knowledge, this variant has not been reported in the literature. This variant is reported in 0.0097% of alleles in individuals of European (Non-Finnish) descent in gnomAD, including seven hemizygous individuals. Although we suspect that this variant may be benign, at this time, the clinical significance of this variant is uncertain due to the absence of conclusive functional and genetic evidence.

Clinical Genetics DNA and cytogenetics Diagnostics Lab, Erasmus MC, Erasmus Medical Center
Classification: Likely benign. Review status: no assertion criteria provided. Collection method: clinical testing. Allele origin: germline. Affected: yes. Study: VKGL Data-share Consensus. Not counted in ClinVar's aggregate classification.

Laboratory of Diagnostic Genome Analysis, Leiden University Medical Center (LUMC)
Classification: Likely benign. Review status: no assertion criteria provided. Collection method: clinical testing. Allele origin: germline. Affected: yes. Study: VKGL Data-share Consensus. Not counted in ClinVar's aggregate classification.